The following is an entry in ClinVar:

NM_001257180.2(SLC20A2):c.345G>A (p.Thr115=)

Gene: SLC20A2 (solute carrier family 20 member 2; minus strand). Cytogenetic location: 8p11.21.
Variant type: single nucleotide variant.
Coding change: c.345G>A on transcript NM_001257180.2 (MANE Select); coding-DNA position 345, G replaced by A.
Protein change: p.Thr115=; no amino-acid change (threonine 115 retained).
Molecular consequence: synonymous variant.
Genome position (GRCh38, 1-based): chr8:42,465,862, C>T on the plus strand (G>A on the coding strand, the complement: SLC20A2 is on the minus strand). VCF-style: chr8-42465862-C-T. GRCh37 (hg19) VCF-style: chr8-42323380-C-T.
Other names: p.Thr115=; c.345G>A, p.Thr115= (NM_001257181.2, NM_006749.5).
Identifiers: ClinVar variation 363090 (VCV000363090.21), dbSNP rs34124953, ClinGen allele CA4733603.

ClinVar aggregate classification (germline): Benign/Likely benign. Review status: criteria provided, multiple submitters, no conflicts (2 of 4 stars). 8 submissions from 7 submitters: Benign (3); Likely benign (3). 2 of the submissions do not count toward it. Last evaluated 2026-01-14.

Conditions:
Idiopathic basal ganglia calcification 1 (PFBC1A). Also called: Familial Idiopathic Basal Ganglia Calcification 2; Familial Idiopathic Basal Ganglia Calcification 3; Primary Familial Brain Calcification; PRIMARY FAMILIAL BRAIN CALCIFICATION 1A, AUTOSOMAL DOMINANT; Fahr's syndrome; Cerebral calcification nonarteriosclerotic idiopathic adult-onset. Identifiers: Orphanet 1980, MedGen C4551624, MONDO:0024538, OMIM 213600.

Allele frequency attached by ClinVar (database versions not stated): TOPMed 0.00433; gnomAD 0.00417 and 0.00461; ESP Exome Variant Server 0.00515; ExAC 0.00697; 1000 Genomes Project 30x 0.00422; 1000 Genomes Project 0.00519.
gnomAD v4.1: 11,209 of 1,613,402 alleles (0.69%); highest among the groups gnomAD compares: Middle Eastern, 2.2%; 75 homozygotes.

Submissions (8):

Labcorp Genetics (formerly Invitae), Labcorp
Classification: Benign. Last evaluated: 2026-01-14. Review status: criteria provided, single submitter. Criteria: Invitae Variant Classification Sherloc (09022015). Collection method: clinical testing. Allele origin: germline.

Mayo Clinic Laboratories, Mayo Clinic
Classification: Benign. Last evaluated: 2023-08-24. Review status: criteria provided, single submitter. Criteria: ACMG Guidelines, 2015. Collection method: clinical testing. Allele origin: germline. Observed: 5 variant alleles.
Comment: BS1, BS2, BP4, BP7

GeneDx
Classification: Likely benign. Last evaluated: 2021-02-08. Review status: criteria provided, single submitter. Criteria: GeneDx Variant Classification Process June 2021. Collection method: clinical testing. Allele origin: germline. Affected: yes.

Illumina Laboratory Services, Illumina
Classification: Benign for Idiopathic basal ganglia calcification 1. Last evaluated: 2018-01-12. Review status: criteria provided, single submitter. Criteria: ICSL Variant Classification Criteria 13 December 2019. Collection method: clinical testing. Allele origin: germline.
Comment: This variant was observed in the ICSL laboratory as part of a predisposition screen in an ostensibly healthy population. It had not been previously curated by ICSL or reported in the Human Gene Mutation Database (HGMD: prior to June 1st, 2018), and was therefore a candidate for classification through an automated scoring system. Utilizing variant allele frequency, disease prevalence and penetrance estimates, and inheritance mode, an automated score was calculated to assess if this variant is too frequent to cause the disease. Based on the score and internal cut-off values, a variant classified as benign is not then subjected to further curation. The score for this variant resulted in a classification of benign for this disease.

Clinical Genetics DNA and cytogenetics Diagnostics Lab, Erasmus MC, Erasmus Medical Center
Classification: Likely benign for Idiopathic basal ganglia calcification 1. Last evaluated: 2015-09-21. Review status: criteria provided, single submitter. Criteria: ACGS Guidelines, 2013. Collection method: clinical testing. Allele origin: germline. Affected: yes. Study: VKGL Data-share Consensus.

Breakthrough Genomics
Classification: Likely benign. Review status: criteria provided, single submitter. Criteria: ACMG Guidelines, 2015. Collection method: not provided. Allele origin: germline. Inheritance: Autosomal dominant inheritance. Affected: yes.

Genome Diagnostics Laboratory, Amsterdam University Medical Center
Classification: Likely benign for Idiopathic basal ganglia calcification 1. Last evaluated: 2016-01-12. Review status: no assertion criteria provided. Criteria: ACGS Guidelines, 2013. Collection method: clinical testing. Allele origin: germline. Affected: yes. Study: VKGL Data-share Consensus. Not counted in ClinVar's aggregate classification.

Genome Diagnostics Laboratory, Amsterdam University Medical Center
Classification: Benign. Review status: no assertion criteria provided. Collection method: clinical testing. Allele origin: germline. Affected: yes. Study: VKGL Data-share Consensus. Not counted in ClinVar's aggregate classification.